The following is an entry in ClinVar:

NM_000429.3(MAT1A):c.1024G>C (p.Glu342Gln)

Gene: MAT1A (methionine adenosyltransferase 1A; minus strand). Cytogenetic location: 10q22.3.
Variant type: single nucleotide variant.
Coding change: c.1024G>C on transcript NM_000429.3 (MANE Select); coding-DNA position 1024, G replaced by C.
Protein change: p.Glu342Gln; replaces glutamic acid 342 with glutamine.
Molecular consequence: missense variant.
Genome position (GRCh38, 1-based): chr10:80,274,581, C>G on the plus strand (G>C on the coding strand, the complement: MAT1A is on the minus strand). VCF-style: chr10-80274581-C-G. GRCh37 (hg19) VCF-style: chr10-82034337-C-G.
Other names: short protein forms E342Q.
Identifiers: ClinVar variation 3646064 (VCV003646064.2).

ClinVar aggregate classification (germline): Uncertain significance (1 of 4 stars; one submission).

Conditions:
Hepatic methionine adenosyltransferase deficiency. Also called: Deficiency of methionine adenosyltransferase; Isolated Persistent Hypermethioninemia; Methionine adenosyltransferase deficiency; MAT I/III DEFICIENCY. Identifiers: Orphanet 168598, MedGen C0268621, MeSH C564683, MONDO:0009607, OMIM 250850.

Submission:

Labcorp Genetics (formerly Invitae), Labcorp
Classification: Uncertain significance for Hepatic methionine adenosyltransferase deficiency. Last evaluated: 2024-03-24. Review status: criteria provided, single submitter. Criteria: Invitae Variant Classification Sherloc (09022015). Collection method: clinical testing. Allele origin: germline.
Comment: This sequence change replaces glutamic acid, which is acidic and polar, with glutamine, which is neutral and polar, at codon 342 of the MAT1A protein (p.Glu342Gln). This variant is present in population databases (rs772397715, gnomAD 0.0009%). This variant has not been reported in the literature in individuals affected with MAT1A-related conditions. Advanced modeling of protein sequence and biophysical properties (such as structural, functional, and spatial information, amino acid conservation, physicochemical variation, residue mobility, and thermodynamic stability) performed at Invitae indicates that this missense variant is not expected to disrupt MAT1A protein function with a negative predictive value of 80%. In summary, the available evidence is currently insufficient to determine the role of this variant in disease. Therefore, it has been classified as a Variant of Uncertain Significance.